The following is an entry in ClinVar:

ClinVar aggregate classification (germline): Likely benign (1 of 4 stars; one submission).

Conditions:
BLTP1-related disorder. Also called: BLTP1-related condition.

gnomAD v4.1: 3 of 1,611,850 alleles (0.00019%); highest among the groups gnomAD compares: Non-Finnish European, 0.00017%; no homozygotes.

Submission:

PreventionGenetics, part of Exact Sciences
Classification: Likely benign for BLTP1-related condition. Last evaluated: 2024-12-24. Review status: criteria provided, single submitter. Criteria: ACMG Guidelines, 2015. Collection method: clinical testing. Allele origin: germline.
Comment: This variant is classified as likely benign based on ACMG/AMP sequence variant interpretation guidelines (Richards et al. 2015 PMID: 25741868, with internal and published modifications).

NM_001384125.1(BLTP1):c.11955C>T (p.Ala3985=)

Gene: BLTP1 (bridge-like lipid transfer protein family member 1; plus strand). Cytogenetic location: 4q27.
Variant type: single nucleotide variant.
Coding change: c.11955C>T on transcript NM_001384125.1 (MANE Select); coding-DNA position 11955, C replaced by T.
Protein change: p.Ala3985=; no amino-acid change (alanine 3985 retained).
Molecular consequence: synonymous variant.
Genome position (GRCh38, 1-based): chr4:122,334,388, C>T. VCF-style: chr4-122334388-C-T. GRCh37 (hg19) VCF-style: chr4-123255543-C-T.
Other names: c.11691C>T, p.Ala3897= (NM_015312.4).
Identifiers: ClinVar variation 4982683 (VCV004982683.1).